The following is an entry in ClinVar:

NM_001291415.2(KDM6A):c.3626dup (p.Asn1210fs)

Gene: KDM6A (lysine demethylase 6A; plus strand). Cytogenetic location: Xp11.3.
Variant type: Duplication.
Coding change: c.3626dup on transcript NM_001291415.2 (MANE Select); coding-DNA position 3626, one base duplicated (T; older notation c.3626dupT).
Protein change: p.Asn1210fs; shifts the reading frame from asparagine 1210.
Molecular consequence: frameshift variant. On other transcripts: non-coding transcript variant (1).
Genome position (GRCh38, 1-based): chrX:45,085,901, T duplicated. VCF-style (leftmost placement, unchanged base first): chrX-45085900-A-AT. GRCh37 (hg19) VCF-style: chrX-44945145-A-AT.
Other names: c.3491dup, p.Asn1165fs (NM_001291416.2); c.3335dup, p.Asn1113fs (NM_001291417.2); c.3233dup, p.Asn1079fs (NM_001291418.2); c.2582dup, p.Asn862fs (NM_001291421.2); c.3470dup, p.Asn1158fs (NM_021140.4); short protein forms N1158fs, N1165fs, N862fs, N1079fs, N1113fs, N1210fs.
Identifiers: ClinVar variation 817259 (VCV000817259.1), dbSNP rs1602965271, ClinGen allele CA915950956.

ClinVar aggregate classification (germline): Pathogenic (1 of 4 stars; one submission).

Submission:

GeneDx
Classification: Pathogenic. Last evaluated: 2018-10-16. Review status: criteria provided, single submitter. Criteria: GeneDx Variant Classification (06012015). Collection method: clinical testing. Allele origin: germline. Affected: yes.
Comment: The c.3470dupT variant in the KDM6A gene has not been reported previously as a pathogenic variant nor as a benign variant, to our knowledge. The c.3470dupT variant causes a frameshift starting with codon Asparagine 1158, changes this amino acid to a Lysine residue, and creates a premature Stop codon at position 6 of the new reading frame, denoted p.Asn1158LysfsX6. This variant is predicted to cause loss of normal protein function either through protein truncation or nonsense-mediated mRNA decay. The c.3470dupT variant is not observed in large population cohorts (Lek et al., 2016). We interpret c.3470dupT as a pathogenic variant.